The following is an entry in ClinVar:

NM_006767.4(LZTR1):c.805C>T (p.Pro269Ser)

Gene: LZTR1 (leucine zipper like post translational regulator 1; plus strand). Cytogenetic location: 22q11.21.
Variant type: single nucleotide variant.
Coding change: c.805C>T on transcript NM_006767.4 (MANE Select); coding-DNA position 805, C replaced by T.
Protein change: p.Pro269Ser; replaces proline 269 with serine.
Molecular consequence: missense variant.
Genome position (GRCh38, 1-based): chr22:20,991,641, C>T. VCF-style: chr22-20991641-C-T. GRCh37 (hg19) VCF-style: chr22-21345930-C-T.
Other names: c.805C>T (NM_006767.3); short protein forms P269S.
Identifiers: ClinVar variation 2037093 (VCV002037093.5), dbSNP rs1202494761, ClinGen allele CA410781106.
Genomic context (GRCh38, chr22:20,991,641, plus strand): 5'-AGCAGGAGCCCCTGTCCCAGCATTGATTCACTGTTGTGTACCCCCAGGTGGACACGCATC[C>T]CAACTGAACACCTGCTCCGGGGCTCCCCACCACCCCCGCAGCGGCGCTACGGGCATACCA-3'
Protein context (NP_006758.2, residues 259-279): EFKDKTWTRI[Pro269Ser]TEHLLRGSPP

ClinVar aggregate classification (germline): Uncertain significance. Review status: criteria provided, multiple submitters, no conflicts (2 of 4 stars). 2 submissions from 2 submitters: Uncertain significance (2). Last evaluated 2024-09-10.

Conditions:
Cardiovascular phenotype. Identifiers: MedGen CN230736.
Hereditary cancer-predisposing syndrome. Also called: Neoplastic Syndromes, Hereditary; Hereditary Cancer Syndrome; Tumor predisposition; Hereditary neoplastic syndrome. Identifiers: Orphanet 140162, MedGen C0027672, MeSH D009386, MONDO:0015356.

Allele frequency attached by ClinVar (database versions not stated): gnomAD exomes below 0.00001.
gnomAD v4.1: 2 of 1,596,632 alleles (0.00013%); highest among the groups gnomAD compares: Non-Finnish European, 0.000085%; no homozygotes.

Submissions (2):

Labcorp Genetics (formerly Invitae), Labcorp
Classification: Uncertain significance. Last evaluated: 2024-09-10. Review status: criteria provided, single submitter. Criteria: Invitae Variant Classification Sherloc (09022015). Collection method: clinical testing. Allele origin: germline.
Comment: This sequence change replaces proline, which is neutral and non-polar, with serine, which is neutral and polar, at codon 269 of the LZTR1 protein (p.Pro269Ser). The frequency data for this variant in the population databases is considered unreliable, as metrics indicate poor data quality at this position in the gnomAD database. This variant has not been reported in the literature in individuals affected with LZTR1-related conditions. ClinVar contains an entry for this variant (Variation ID: 2037093). Invitae Evidence Modeling of protein sequence and biophysical properties (such as structural, functional, and spatial information, amino acid conservation, physicochemical variation, residue mobility, and thermodynamic stability) indicates that this missense variant is not expected to disrupt LZTR1 protein function with a negative predictive value of 80%. In summary, the available evidence is currently insufficient to determine the role of this variant in disease. Therefore, it has been classified as a Variant of Uncertain Significance.

Ambry Genetics
Classification: Uncertain significance for Cardiovascular phenotype; Hereditary cancer-predisposing syndrome. Last evaluated: 2024-09-09. Review status: criteria provided, single submitter. Criteria: Ambry Variant Classification Scheme 2023. Collection method: clinical testing. Allele origin: germline.
Comment: The p.P269S variant (also known as c.805C>T), located in coding exon 9 of the LZTR1 gene, results from a C to T substitution at nucleotide position 805. The proline at codon 269 is replaced by serine, an amino acid with similar properties. This amino acid position is conserved. In addition, the in silico prediction for this alteration is inconclusive. Based on the available evidence, the clinical significance of this variant remains unclear.